The following is an entry in ClinVar:

ClinVar aggregate classification (germline): Uncertain significance (1 of 4 stars; one submission).

Submission:

GeneDx
Classification: Uncertain significance. Last evaluated: 2026-02-26. Review status: criteria provided, single submitter. Criteria: GeneDx Variant Classification Process June 2021. Collection method: clinical testing. Allele origin: germline.
Comment: In silico analysis supports that this missense variant has a deleterious effect on protein structure/function; Has not been previously published as pathogenic or benign to our knowledge

NM_001744.6(CAMK4):c.364A>G (p.Thr122Ala)

Gene: CAMK4 (calcium/calmodulin dependent protein kinase IV; plus strand). Cytogenetic location: 5q22.1.
Variant type: single nucleotide variant.
Coding change: c.364A>G on transcript NM_001744.6 (MANE Select); coding-DNA position 364, A replaced by G.
Protein change: p.Thr122Ala; replaces threonine 122 with alanine.
Molecular consequence: missense variant. On other transcripts: intron variant (2).
Genome position (GRCh38, 1-based): chr5:111,376,920, A>G. VCF-style: chr5-111376920-A-G. GRCh37 (hg19) VCF-style: chr5-110712618-A-G.
Other names: c.364A>G, p.Thr122Ala (NM_001323374.2, NM_001323375.2); c.-206+2008A>G (NM_001323377.2); c.-205-17790A>G (NM_001323376.2); short protein forms T122A.
Identifiers: ClinVar variation 4975436 (VCV004975436.1).